The following is an entry in ClinVar:

ClinVar aggregate classification (germline): Uncertain significance (1 of 4 stars; one submission).

Conditions:
KDM6A-related disorder. Also called: KDM6A-related condition.

Submission:

PreventionGenetics, part of Exact Sciences
Classification: Uncertain significance for KDM6A-related condition. Last evaluated: 2025-09-27. Review status: criteria provided, single submitter. Criteria: ACMG Guidelines, 2015. Collection method: clinical testing. Allele origin: germline.
Comment: The KDM6A c.3857C>T variant is predicted to result in the amino acid substitution p.Pro1286Leu. To our knowledge, this variant has not been reported in the literature or in a large population database (gnomAD), indicating this variant is rare. At this time, the clinical significance of this variant is uncertain due to the absence of conclusive functional and genetic evidence.

NM_001291415.2(KDM6A):c.4013C>T (p.Pro1338Leu)

Gene: KDM6A (lysine demethylase 6A; plus strand). Cytogenetic location: Xp11.3.
Variant type: single nucleotide variant.
Coding change: c.4013C>T on transcript NM_001291415.2 (MANE Select); coding-DNA position 4013, C replaced by T.
Protein change: p.Pro1338Leu; replaces proline 1338 with leucine.
Molecular consequence: missense variant.
Genome position (GRCh38, 1-based): chrX:45,090,843, C>T. VCF-style: chrX-45090843-C-T. GRCh37 (hg19) VCF-style: chrX-44950088-C-T.
Other names: c.3878C>T, p.Pro1293Leu (NM_001291416.2, NM_001419811.1); c.3722C>T, p.Pro1241Leu (NM_001291417.2); c.3620C>T, p.Pro1207Leu (NM_001291418.2, NM_001419815.1); c.2969C>T, p.Pro990Leu (NM_001291421.2); c.3755C>T, p.Pro1252Leu (NM_001410742.1, NM_001419814.1); c.4013C>T, p.Pro1338Leu (NM_001419809.1); c.3911C>T, p.Pro1304Leu (NM_001419810.1, NM_001419813.1); c.3857C>T, p.Pro1286Leu (NM_001419812.1, NM_021140.4); short protein forms P1241L, P1207L, P1286L, P1293L, P1304L, P990L, P1252L, P1338L.
Identifiers: ClinVar variation 4978896 (VCV004978896.1).